The following is an entry in ClinVar:

ClinVar aggregate classification (germline): Uncertain significance (1 of 4 stars; one submission).

Allele frequency attached by ClinVar (database versions not stated): TOPMed below 0.00001; ExAC 0.00002.
gnomAD v4.1: 17 of 1,613,378 alleles (0.0011%); highest among the groups gnomAD compares: Admixed American, 0.0033%; no homozygotes.

Submission:

Labcorp Genetics (formerly Invitae), Labcorp
Classification: Uncertain significance. Last evaluated: 2024-04-22. Review status: criteria provided, single submitter. Criteria: Invitae Variant Classification Sherloc (09022015). Collection method: clinical testing. Allele origin: germline.
Comment: This sequence change replaces arginine, which is basic and polar, with glutamine, which is neutral and polar, at codon 505 of the SGPL1 protein (p.Arg505Gln). This variant is present in population databases (rs768647000, gnomAD 0.01%). This variant has not been reported in the literature in individuals affected with SGPL1-related conditions. ClinVar contains an entry for this variant (Variation ID: 1933129). Advanced modeling of protein sequence and biophysical properties (such as structural, functional, and spatial information, amino acid conservation, physicochemical variation, residue mobility, and thermodynamic stability) performed at Invitae indicates that this missense variant is not expected to disrupt SGPL1 protein function with a negative predictive value of 80%. In summary, the available evidence is currently insufficient to determine the role of this variant in disease. Therefore, it has been classified as a Variant of Uncertain Significance.

NM_003901.4(SGPL1):c.1514G>A (p.Arg505Gln)

Gene: SGPL1 (sphingosine-1-phosphate lyase 1; plus strand). Cytogenetic location: 10q22.1.
Variant type: single nucleotide variant.
Coding change: c.1514G>A on transcript NM_003901.4 (MANE Select); coding-DNA position 1514, G replaced by A.
Protein change: p.Arg505Gln; replaces arginine 505 with glutamine.
Molecular consequence: missense variant.
Genome position (GRCh38, 1-based): chr10:70,876,609, G>A. VCF-style: chr10-70876609-G-A. GRCh37 (hg19) VCF-style: chr10-72636366-G-A.
Other names: short protein forms R505Q.
Identifiers: ClinVar variation 1933129 (VCV001933129.5), dbSNP rs768647000, ClinGen allele CA5541501.